The following is an entry in ClinVar:

NM_000152.5(GAA):c.1608T>G (p.Asn536Lys)

Gene: GAA (alpha glucosidase; plus strand). Cytogenetic location: 17q25.3.
Variant type: single nucleotide variant.
Coding change: c.1608T>G on transcript NM_000152.5 (MANE Select); coding-DNA position 1608, T replaced by G.
Protein change: p.Asn536Lys; replaces asparagine 536 with lysine.
Molecular consequence: missense variant.
Genome position (GRCh38, 1-based): chr17:80,110,997, T>G. VCF-style: chr17-80110997-T-G. GRCh37 (hg19) VCF-style: chr17-78084796-T-G.
Other names: c.1608T>G, p.Asn536Lys (NM_001079803.3, NM_001079804.3); short protein forms N536K.
Identifiers: ClinVar variation 858091 (VCV000858091.10), dbSNP rs2039224372, ClinGen allele CA401367307.

ClinVar aggregate classification (germline): Uncertain significance (1 of 4 stars; one submission).

Conditions:
Glycogen storage disease, type II (IOPD). Also called: Glucosidase acid-1,4-alpha deficiency; Pompe Disease; CARDIOMEGALIA GLYCOGENICA DIFFUSA; GLYCOGENOSIS, GENERALIZED, CARDIAC FORM; GSD II; Glycogen storage disease type 2. Identifiers: Orphanet 365, MedGen C0017921, MONDO:0009290, OMIM 232300.

Submission:

Labcorp Genetics (formerly Invitae), Labcorp
Classification: Uncertain significance for Glycogen storage disease, type II. Last evaluated: 2024-08-05. Review status: criteria provided, single submitter. Criteria: Invitae Variant Classification Sherloc (09022015). Collection method: clinical testing. Allele origin: germline.
Comment: This sequence change replaces asparagine, which is neutral and polar, with lysine, which is basic and polar, at codon 536 of the GAA protein (p.Asn536Lys). This variant is not present in population databases (gnomAD no frequency). This variant has not been reported in the literature in individuals affected with GAA-related conditions. ClinVar contains an entry for this variant (Variation ID: 858091). Advanced modeling of protein sequence and biophysical properties (such as structural, functional, and spatial information, amino acid conservation, physicochemical variation, residue mobility, and thermodynamic stability) performed at Invitae indicates that this missense variant is not expected to disrupt GAA protein function with a negative predictive value of 95%. In summary, the available evidence is currently insufficient to determine the role of this variant in disease. Therefore, it has been classified as a Variant of Uncertain Significance.